The following is an entry in ClinVar:

ClinVar aggregate classification (germline): Benign. Review status: criteria provided, single submitter (1 of 4 stars). 2 submissions from 2 submitters: Benign (1). 1 of the submissions does not count toward it. Last evaluated 2024-10-03.

Conditions:
ARFGEF2-related disorder. Also called: ARFGEF2-related condition.

Allele frequency attached by ClinVar (database versions not stated): TOPMed 0.00002; ESP Exome Variant Server 0.00015; 1000 Genomes Project 30x 0.00016; 1000 Genomes Project 0.00020; ExAC 0.00037; gnomAD 0.00049.
gnomAD v4.1: 394 of 1,613,636 alleles (0.024%); highest among the groups gnomAD compares: East Asian, 0.0045%; 2 homozygotes.

Submissions (2):

Labcorp Genetics (formerly Invitae), Labcorp
Classification: Benign. Last evaluated: 2024-10-03. Review status: criteria provided, single submitter. Criteria: Invitae Variant Classification Sherloc (09022015). Collection method: clinical testing. Allele origin: germline.

PreventionGenetics, part of Exact Sciences
Classification: Benign for ARFGEF2-related condition. Last evaluated: 2019-05-06. Review status: no assertion criteria provided. Collection method: clinical testing. Allele origin: germline. Not counted in ClinVar's aggregate classification.
Comment: This variant is classified as benign based on ACMG/AMP sequence variant interpretation guidelines (Richards et al. 2015 PMID: 25741868, with internal and published modifications).

NM_006420.3(ARFGEF2):c.2319G>A (p.Ala773=)

Gene: ARFGEF2 (ARF guanine nucleotide exchange factor 2; plus strand). Cytogenetic location: 20q13.13.
Variant type: single nucleotide variant.
Coding change: c.2319G>A on transcript NM_006420.3 (MANE Select); coding-DNA position 2319, G replaced by A.
Protein change: p.Ala773=; no amino-acid change (alanine 773 retained).
Molecular consequence: synonymous variant.
Genome position (GRCh38, 1-based): chr20:48,988,346, G>A. VCF-style: chr20-48988346-G-A. GRCh37 (hg19) VCF-style: chr20-47604883-G-A.
Other names: c.2316G>A, p.Ala772= (NM_001410846.1).
Identifiers: ClinVar variation 3038242 (VCV003038242.4), dbSNP rs143122173, ClinGen allele CA9898609.
Genomic context (GRCh38, chr20:48,988,346, plus strand): 5'-TCGAATTTTTTTCTCCAGGCAAACTCTGTTTGCTAGTGCTGACACTGCTTATGTCCTAGC[G>A]TATTCAATTATTATGCTGACTACAGACTTGCACAGTCCTCAGGTAAAGCACTTTAATGAT-3'
Protein context (NP_006411.2, residues 763-783): FASADTAYVL[Ala773=]YSIIMLTTDL